The following is an entry in ClinVar:

NM_004260.4(RECQL4):c.2644G>A (p.Ala882Thr)

Gene: RECQL4 (RecQ like helicase 4; minus strand). Cytogenetic location: 8q24.3.
Variant type: single nucleotide variant.
Coding change: c.2644G>A on transcript NM_004260.4 (MANE Select); coding-DNA position 2644, G replaced by A.
Protein change: p.Ala882Thr; replaces alanine 882 with threonine.
Molecular consequence: missense variant.
Genome position (GRCh38, 1-based): chr8:144,512,958, C>T on the plus strand (G>A on the coding strand, the complement: RECQL4 is on the minus strand). VCF-style: chr8-144512958-C-T. GRCh37 (hg19) VCF-style: chr8-145738341-C-T.
Other names: short protein forms A882T.
Identifiers: ClinVar variation 406980 (VCV000406980.7), dbSNP rs771434161, ClinGen allele CA4948161.
Genomic context (GRCh38, chr8:144,512,958, plus strand): 5'-GCTCATGGCCCATGCAGACCCTTCTGGGTCCTGGGGCTGCTTGGTGGCTAAGCTGCTCAG[C>T]CTCTTGAGGGGGGTACTTGGGCACAGGCCTCTCCCCACCCACGGCCCCTTCCTGCTCCGA-3'
Protein context (NP_004251.4, residues 872-892): RPVPKYPPQE[Ala882Thr]EQLSHQAAPG

ClinVar aggregate classification (germline): Uncertain significance. Review status: criteria provided, multiple submitters, no conflicts (2 of 4 stars). 2 submissions from 2 submitters: Uncertain significance (2). Last evaluated 2025-01-27.

Conditions:
Inborn genetic diseases. Identifiers: MedGen C0950123, MeSH D030342.
Baller-Gerold syndrome (BGS). Also called: CRANIOSYNOSTOSIS WITH RADIAL DEFECTS. Identifiers: Orphanet 1225, MedGen C0265308, MONDO:0009039, OMIM 218600.

Allele frequency attached by ClinVar (database versions not stated): ExAC 0.00003.
gnomAD v4.1: 6 of 1,573,088 alleles (0.00038%); highest among the groups gnomAD compares: South Asian, 0.007%; no homozygotes.

Submissions (2):

Ambry Genetics
Classification: Uncertain significance for Inborn genetic diseases. Last evaluated: 2025-01-27. Review status: criteria provided, single submitter. Criteria: Ambry Variant Classification Scheme 2023. Collection method: clinical testing. Allele origin: germline.

Labcorp Genetics (formerly Invitae), Labcorp
Classification: Uncertain significance for Baller-Gerold syndrome. Last evaluated: 2023-10-06. Review status: criteria provided, single submitter. Criteria: Invitae Variant Classification Sherloc (09022015). Collection method: clinical testing. Allele origin: germline.
Comment: This sequence change replaces alanine, which is neutral and non-polar, with threonine, which is neutral and polar, at codon 882 of the RECQL4 protein (p.Ala882Thr). This variant is present in population databases (rs771434161, gnomAD 0.008%). This variant has not been reported in the literature in individuals affected with RECQL4-related conditions. ClinVar contains an entry for this variant (Variation ID: 406980). Experimental studies and prediction algorithms are not available or were not evaluated, and the functional significance of this variant is currently unknown. In summary, the available evidence is currently insufficient to determine the role of this variant in disease. Therefore, it has been classified as a Variant of Uncertain Significance.